The following is an entry in ClinVar:

ClinVar aggregate classification (germline): Uncertain significance (1 of 4 stars; one submission).

Conditions:
Familial hemophagocytic lymphohistiocytosis 4 (FHL4). Also called: STX11-Related Familial Hemophagocytic Lymphohistiocytosis (STX11-fHLH). Identifiers: Orphanet 540, MedGen C1863728, MONDO:0011336, OMIM 603552.

Submission:

Labcorp Genetics (formerly Invitae), Labcorp
Classification: Uncertain significance for Familial hemophagocytic lymphohistiocytosis 4. Last evaluated: 2024-10-16. Review status: criteria provided, single submitter. Criteria: Invitae Variant Classification Sherloc (09022015). Collection method: clinical testing. Allele origin: germline.
Comment: This variant, c.811_813del, results in the deletion of 1 amino acid(s) of the STX11 protein (p.Glu271del), but otherwise preserves the integrity of the reading frame. This variant is present in population databases (rs751291364, gnomAD 0.01%). This variant has not been reported in the literature in individuals affected with STX11-related conditions. ClinVar contains an entry for this variant (Variation ID: 951588). Experimental studies and prediction algorithms are not available or were not evaluated, and the functional significance of this variant is currently unknown. In summary, the available evidence is currently insufficient to determine the role of this variant in disease. Therefore, it has been classified as a Variant of Uncertain Significance.

NM_003764.4(STX11):c.808GAG[1] (p.Glu271del)

Gene: STX11 (syntaxin 11; plus strand). Cytogenetic location: 6q24.2.
Variant type: Microsatellite.
Coding change: c.808GAG[1] on transcript NM_003764.4 (MANE Select); one copy of the 3-base unit GAG starting at c.808; the reference has two copies in a row; one copy, 3 bases deleted.
Protein change: p.Glu271del; deletes glutamic acid 271.
Molecular consequence: inframe deletion.
Genome position (GRCh38, 1-based): chr6:144,187,438-144,187,440, GAG deleted; deleting any 3 consecutive bases within chr6:144,187,435-144,187,440 gives the same sequence; the position shown is the placement nearest the transcript's 3' end. VCF-style (leftmost placement, unchanged base first): chr6-144187434-CGAG-C. GRCh37 (hg19) VCF-style: chr6-144508571-CGAG-C.
Other names: short protein forms E271del.
Identifiers: ClinVar variation 951588 (VCV000951588.6), dbSNP rs751291364, ClinGen allele CA4031794.